The following is an entry in ClinVar:

NM_003921.5(BCL10):c.14C>G (p.Ala5Gly)

Genes: BCL10 (BCL10 immune signaling adaptor; minus strand), LOC126805771 (CDK7 strongly-dependent group 2 enhancer GRCh37_chr1:85741508-85742707; plus strand). Cytogenetic location: 1p22.3.
Variant type: single nucleotide variant.
Coding change: c.14C>G on transcript NM_003921.5 (MANE Select); coding-DNA position 14, C replaced by G.
Protein change: p.Ala5Gly; replaces alanine 5 with glycine.
Molecular consequence: missense variant.
Genome position (GRCh38, 1-based): chr1:85,276,339, G>C on the plus strand (C>G on the coding strand, the complement: BCL10 is on the minus strand). VCF-style: chr1-85276339-G-C. GRCh37 (hg19) VCF-style: chr1-85742022-G-C.
Other names: c.14C>G, p.Ala5Gly (NM_001320715.2); short protein forms A5G.
Identifiers: ClinVar variation 2717342 (VCV002717342.3), dbSNP rs778423633, ClinGen allele CA929837.

ClinVar aggregate classification (germline): Uncertain significance (1 of 4 stars; one submission).

Conditions:
Immunodeficiency 37 (IMD37). Identifiers: MedGen C4015195, MONDO:0014491, OMIM 616098.

Allele frequency attached by ClinVar (database versions not stated): gnomAD 0.00001; ExAC 0.00007.
gnomAD v4.1: 23 of 1,613,520 alleles (0.0014%); highest among the groups gnomAD compares: South Asian, 0.025%; no homozygotes.

Submission:

Labcorp Genetics (formerly Invitae), Labcorp
Classification: Uncertain significance for Immunodeficiency 37. Last evaluated: 2024-01-02. Review status: criteria provided, single submitter. Criteria: Invitae Variant Classification Sherloc (09022015). Collection method: clinical testing. Allele origin: germline.
Comment: This sequence change replaces alanine, which is neutral and non-polar, with glycine, which is neutral and non-polar, at codon 5 of the BCL10 protein (p.Ala5Gly). This variant is present in population databases (rs778423633, gnomAD 0.04%). This variant has not been reported in the literature in individuals affected with BCL10-related conditions. An algorithm developed to predict the effect of missense changes on protein structure and function (PolyPhen-2) suggests that this variant is likely to be tolerated. In summary, the available evidence is currently insufficient to determine the role of this variant in disease. Therefore, it has been classified as a Variant of Uncertain Significance.